The following is an entry in ClinVar:

ClinVar aggregate classification (germline): Uncertain significance (1 of 4 stars; one submission).

Conditions:
Intellectual developmental disorder, X-linked, syndromic, Nascimento type. Also called: Syndromic X-linked intellectual disability Nascimento type; MENTAL RETARDATION, X-LINKED, SYNDROMIC 30. Identifiers: Orphanet 163956, MedGen C3275464, MONDO:0010461, OMIM 300860.

Submission:

Victorian Clinical Genetics Services, Murdoch Childrens Research Institute
Classification: Uncertain significance for Intellectual developmental disorder, X-linked, syndromic, Nascimento type. Last evaluated: 2023-07-17. Review status: criteria provided, single submitter. Criteria: ACMG Guidelines, 2015. Collection method: clinical testing. Allele origin: germline. Inheritance: X-linked recessive inheritance. Affected: yes.
Comment: Based on the classification scheme VCGS_Germline_v1.3.4, this variant is classified as VUS-3A. Following criteria are met: 0102 - Loss of function is a known mechanism of disease in this gene and is associated with intellectual developmental disorder, X-linked syndromic, Nascimento type (MIM#300860). (I) 0109 - This gene is associated with X-linked recessive disease. (I) 0200 - Variant is predicted to result in a missense amino acid change from phenylalanine to leucine. (I) 0253 - This variant is hemizygous. (I) 0301 - Variant is absent from gnomAD (both v2 and v3). (SP) 0502 - Missense variant with conflicting in silico predictions and uninformative conservation. (I) 0603 - Missense variant in a region that is highly intolerant to missense variation (high constraint region in DECIPHER). (SP) 0705 - No comparable missense variants have previous evidence for pathogenicity. (I) 0807 - This variant has no previous evidence of pathogenicity. (I) 0905 - No published segregation evidence has been identified for this variant. (I) 1007 - No published functional evidence has been identified for this variant. (I) 1208 - Inheritance information for this variant is not currently available in this individual. (I) Legend: (SP) - Supporting pathogenic, (I) - Information, (SB) - Supporting benign

NM_003336.4(UBE2A):c.39C>A (p.Phe13Leu)

Gene: UBE2A (ubiquitin conjugating enzyme E2 A; plus strand). Cytogenetic location: Xq24.
Variant type: single nucleotide variant.
Coding change: c.39C>A on transcript NM_003336.4 (MANE Select); coding-DNA position 39, C replaced by A.
Protein change: p.Phe13Leu; replaces phenylalanine 13 with leucine.
Molecular consequence: missense variant. On other transcripts: 5 prime UTR variant (1).
Genome position (GRCh38, 1-based): chrX:119,574,750, C>A. VCF-style: chrX-119574750-C-A. GRCh37 (hg19) VCF-style: chrX-118708713-C-A.
Other names: c.-54C>A (NM_001282161.2); c.39C>A, p.Phe13Leu (NM_181762.3); short protein forms F13L.
Identifiers: ClinVar variation 1805779 (VCV001805779.2), dbSNP rs966470867, ClinGen allele CA414374010.